The following is an entry in ClinVar:

NM_005359.6(SMAD4):c.773C>T (p.Ala258Val)

Gene: SMAD4 (SMAD family member 4; plus strand). Cytogenetic location: 18q21.2.
Variant type: single nucleotide variant.
Coding change: c.773C>T on transcript NM_005359.6 (MANE Select); coding-DNA position 773, C replaced by T.
Protein change: p.Ala258Val; replaces alanine 258 with valine.
Molecular consequence: missense variant.
Genome position (GRCh38, 1-based): chr18:51,058,230, C>T. VCF-style: chr18-51058230-C-T. GRCh37 (hg19) VCF-style: chr18-48584600-C-T.
Other names: c.773C>T (NM_005359.5); short protein forms A258V.
Identifiers: ClinVar variation 1493978 (VCV001493978.9), dbSNP rs2144427681, ClinGen allele CA402463140.
Genomic context (GRCh38, chr18:51,058,230, plus strand): 5'-TGCAGATAGCATCAGGGCCTCAGCCAGGACAGCAGCAGAATGGATTTACTGGTCAGCCAG[C>T]TACTTACCATCATAGTATGTACATACTTTAAAAAATCTTTTAAATAGTTGAGAAAAAAGT-3'
Protein context (NP_005350.1, residues 248-268): QQQNGFTGQP[Ala258Val]TYHHNSTTTW

ClinVar aggregate classification (germline): Uncertain significance. Review status: criteria provided, multiple submitters, no conflicts (2 of 4 stars). 2 submissions from 2 submitters: Uncertain significance (2). Last evaluated 2024-02-23.

Conditions:
Familial thoracic aortic aneurysm and aortic dissection (TAAD). Also called: Thoracic aortic aneurysms and dissections. Identifiers: Orphanet 91387, MedGen C4707243, MONDO:0019625.
Hereditary cancer-predisposing syndrome. Also called: Neoplastic Syndromes, Hereditary; Tumor predisposition; Hereditary neoplastic syndrome; Hereditary Cancer Syndrome. Identifiers: Orphanet 140162, MedGen C0027672, MeSH D009386, MONDO:0015356.
Juvenile polyposis syndrome (JPS). Identifiers: Orphanet 2929, MedGen C0345893, MONDO:0017380, OMIM 174900.

Submissions (2):

Ambry Genetics
Classification: Uncertain significance for Hereditary cancer-predisposing syndrome; Familial thoracic aortic aneurysm and aortic dissection. Last evaluated: 2024-02-23. Review status: criteria provided, single submitter. Criteria: Ambry Variant Classification Scheme 2023. Collection method: clinical testing. Allele origin: germline.
Comment: The p.A258V variant (also known as c.773C>T), located in coding exon 5 of the SMAD4 gene, results from a C to T substitution at nucleotide position 773. The alanine at codon 258 is replaced by valine, an amino acid with similar properties. This amino acid position is highly conserved in available vertebrate species. In addition, the in silico prediction for this alteration is inconclusive. Based on the available evidence, the clinical significance of this alteration remains unclear.

Labcorp Genetics (formerly Invitae), Labcorp
Classification: Uncertain significance for Juvenile polyposis syndrome. Last evaluated: 2021-03-08. Review status: criteria provided, single submitter. Criteria: Invitae Variant Classification Sherloc (09022015). Collection method: clinical testing. Allele origin: germline.
Comment: In summary, the available evidence is currently insufficient to determine the role of this variant in disease. Therefore, it has been classified as a Variant of Uncertain Significance. Advanced modeling of protein sequence and biophysical properties (such as structural, functional, and spatial information, amino acid conservation, physicochemical variation, residue mobility, and thermodynamic stability) performed at Invitae indicates that this missense variant is not expected to disrupt SMAD4 protein function. This variant has not been reported in the literature in individuals with SMAD4-related conditions. This variant is not present in population databases (ExAC no frequency). This sequence change replaces alanine with valine at codon 258 of the SMAD4 protein (p.Ala258Val). The alanine residue is moderately conserved and there is a small physicochemical difference between alanine and valine.